The following is an entry in ClinVar:

ClinVar aggregate classification (germline): Uncertain significance (1 of 4 stars; one submission).

Allele frequency attached by ClinVar (database versions not stated): ExAC 0.00002; gnomAD exomes 0.00002; ESP Exome Variant Server 0.00008.
gnomAD v4.1: 31 of 1,614,244 alleles (0.0019%); highest among the groups gnomAD compares: Non-Finnish European, 0.0024%; no homozygotes.

Submission:

GeneDx
Classification: Uncertain significance. Last evaluated: 2020-07-06. Review status: criteria provided, single submitter. Criteria: GeneDx Variant Classification Process June 2021. Collection method: clinical testing. Allele origin: germline. Affected: yes.
Comment: In silico analysis supports that this missense variant has a deleterious effect on protein structure/function; Has not been previously published as pathogenic or benign to our knowledge

NM_000503.6(EYA1):c.287A>G (p.His96Arg)

Gene: EYA1 (EYA transcriptional coactivator and phosphatase 1; minus strand). Cytogenetic location: 8q13.3.
Variant type: single nucleotide variant.
Coding change: c.287A>G on transcript NM_000503.6 (MANE Select); coding-DNA position 287, A replaced by G.
Protein change: p.His96Arg; replaces histidine 96 with arginine.
Molecular consequence: missense variant. On other transcripts: intron variant (1).
Genome position (GRCh38, 1-based): chr8:71,321,865, T>C on the plus strand (A>G on the coding strand, the complement: EYA1 is on the minus strand). VCF-style: chr8-71321865-T-C. GRCh37 (hg19) VCF-style: chr8-72234100-T-C.
Other names: c.284A>G, p.His95Arg (NM_001288574.2); c.374A>G, p.His125Arg (NM_001370333.1, NM_172059.5); c.287A>G, p.His96Arg (NM_001370334.1, NM_001370335.1, NM_172058.4); c.371A>G, p.His124Arg (NM_001370336.1); c.-12-53A>G (NM_001288575.2); short protein forms H124R, H125R, H95R, H96R.
Identifiers: ClinVar variation 1304722 (VCV001304722.2), dbSNP rs377434964, ClinGen allele CA4779815.